The following is an entry in ClinVar:

ClinVar aggregate classification (germline): Uncertain significance. Review status: criteria provided, multiple submitters, no conflicts (2 of 4 stars). 2 submissions from 2 submitters: Uncertain significance (2). Last evaluated 2026-01-12.

Conditions:
Hereditary cancer-predisposing syndrome. Also called: Neoplastic Syndromes, Hereditary; Hereditary neoplastic syndrome; Tumor predisposition; Hereditary Cancer Syndrome. Identifiers: Orphanet 140162, MedGen C0027672, MeSH D009386, MONDO:0015356.
Melanoma, cutaneous malignant, susceptibility to, 8. Also called: Cutaneous malignant melanoma 8; MELANOMA AND RENAL CELL CARCINOMA, SUSCEPTIBILITY TO. Identifiers: Orphanet 293822, MedGen C3152204, MONDO:0013759, OMIM 614456.
Tietz syndrome (TADS). Also called: ALBINISM-DEAFNESS OF TIETZ; HYPOPIGMENTATION/DEAFNESS OF TIETZ; TIETZ ALBINISM-DEAFNESS SYNDROME. Identifiers: Orphanet 42665, MedGen C0391816, MONDO:0007077, OMIM 103500.
Waardenburg syndrome type 2A (WS2A). Also called: WAARDENBURG SYNDROME WITHOUT DYSTOPIA CANTHORUM. Identifiers: Orphanet 3440, MedGen C1860339, MONDO:0008671, OMIM 193510.

Submissions (2):

Ambry Genetics
Classification: Uncertain significance for Hereditary cancer-predisposing syndrome. Last evaluated: 2026-01-12. Review status: criteria provided, single submitter. Criteria: Ambry Variant Classification Scheme 2023. Collection method: clinical testing. Allele origin: germline.
Comment: The p.S194F variant (also known as c.581C>T), located in coding exon 6 of the MITF gene, results from a C to T substitution at nucleotide position 581. The serine at codon 194 is replaced by phenylalanine, an amino acid with highly dissimilar properties. This amino acid position is conserved. In addition, this alteration is predicted to be tolerated by in silico analysis. Based on the available evidence, the clinical significance of this variant remains unclear.

Labcorp Genetics (formerly Invitae), Labcorp
Classification: Uncertain significance for Melanoma, cutaneous malignant, susceptibility to, 8; Waardenburg syndrome type 2A; Tietz syndrome. Last evaluated: 2025-11-10. Review status: criteria provided, single submitter. Criteria: Invitae Variant Classification Sherloc (09022015). Collection method: clinical testing. Allele origin: germline.
Comment: This sequence change replaces serine, which is neutral and polar, with phenylalanine, which is neutral and non-polar, at codon 194 of the MITF protein (p.Ser194Phe). This variant is not present in population databases (gnomAD no frequency). This variant has not been reported in the literature in individuals affected with MITF-related conditions. Invitae Evidence Modeling of protein sequence and biophysical properties (such as structural, functional, and spatial information, amino acid conservation, physicochemical variation, residue mobility, and thermodynamic stability) indicates that this missense variant is not expected to disrupt MITF protein function with a negative predictive value of 80%. In summary, the available evidence is currently insufficient to determine the role of this variant in disease. Therefore, it has been classified as a Variant of Uncertain Significance.

NM_001354604.2(MITF):c.902C>T (p.Ser301Phe)

Gene: MITF (melanocyte inducing transcription factor; plus strand). Cytogenetic location: 3p13.
Variant type: single nucleotide variant.
Coding change: c.902C>T on transcript NM_001354604.2 (MANE Select); coding-DNA position 902, C replaced by T.
Protein change: p.Ser301Phe; replaces serine 301 with phenylalanine.
Molecular consequence: missense variant.
Genome position (GRCh38, 1-based): chr3:69,951,833, C>T. VCF-style: chr3-69951833-C-T. GRCh37 (hg19) VCF-style: chr3-70000984-C-T.
Other names: c.581C>T, p.Ser194Phe (NM_000248.4); c.728C>T, p.Ser243Phe (NM_001184967.2, NM_001354608.2); c.899C>T, p.Ser300Phe (NM_001354605.2); c.881C>T, p.Ser294Phe (NM_001354606.2, NM_006722.3); c.833C>T, p.Ser278Phe (NM_001354607.2); c.563C>T, p.Ser188Phe (NM_198158.3); c.884C>T, p.Ser295Phe (NM_198159.3); c.836C>T, p.Ser279Phe (NM_198177.3); and 1 more; short protein forms S194F, S243F, S301F, S294F, S132F, S188F, S278F, S279F.
Identifiers: ClinVar variation 4788634 (VCV004788634.2).